The following is an entry in ClinVar:

ClinVar aggregate classification (germline): Uncertain significance (1 of 4 stars; one submission).

Submission:

GeneDx
Classification: Uncertain significance. Last evaluated: 2023-05-23. Review status: criteria provided, single submitter. Criteria: GeneDx Variant Classification Process June 2021. Collection method: clinical testing. Allele origin: germline. Affected: yes.
Comment: Nonsense variant predicted to result in protein truncation or nonsense mediated decay in a gene or region of a gene for which loss of function is not a well-established mechanism of disease; Not observed at significant frequency in large population cohorts (gnomAD); Has not been previously published as pathogenic or benign to our knowledge

NM_001205293.3(CACNA1E):c.6253C>T (p.Arg2085Ter)

Gene: CACNA1E (calcium voltage-gated channel subunit alpha1 E; plus strand). Cytogenetic location: 1q25.3.
Variant type: single nucleotide variant.
Coding change: c.6253C>T on transcript NM_001205293.3 (MANE Select); coding-DNA position 6253, C replaced by T.
Protein change: p.Arg2085Ter; replaces arginine 2085 with a stop codon.
Molecular consequence: nonsense.
Genome position (GRCh38, 1-based): chr1:181,796,712, C>T. VCF-style: chr1-181796712-C-T. GRCh37 (hg19) VCF-style: chr1-181765848-C-T.
Other names: c.6124C>T, p.Arg2042Ter (NM_000721.4); c.6067C>T, p.Arg2023Ter (NM_001205294.2); short protein forms R2023*, R2042*, R2085*.
Identifiers: ClinVar variation 3343726 (VCV003343726.1).